The following is an entry in ClinVar:

NM_001286.5(CLCN6):c.37_54del (p.Arg13_Cys18del)

Gene: CLCN6 (chloride voltage-gated channel 6; plus strand). Cytogenetic location: 1p36.22.
Variant type: Deletion.
Coding change: c.37_54del on transcript NM_001286.5 (MANE Select); coding-DNA positions 37 to 54, 18 bases deleted (AGGTGGTGCTGCTGCTGC).
Protein change: p.Arg13_Cys18del.
Molecular consequence: inframe deletion. On other transcripts: non-coding transcript variant (1).
Genome position (GRCh38, 1-based): chr1:11,806,299-11,806,316, AGGTGGTGCTGCTGCTGC deleted; deleting any 18 consecutive bases within chr1:11,806,286-11,806,316 gives the same sequence; the c. name uses the placement nearest the transcript's 3' end. VCF-style (leftmost placement, unchanged base first): chr1-11806285-TGTGCTGCTGCTGCAGGTG-T. GRCh37 (hg19) VCF-style: chr1-11866342-TGTGCTGCTGCTGCAGGTG-T.
Other names: c.37_54del, p.Arg13_Cys18del (NM_001256959.2).
Identifiers: ClinVar variation 2155500 (VCV002155500.4), dbSNP rs754787159, ClinGen allele CA595847.
Genomic context (GRCh38, chr1:11,806,285, plus strand): 5'-GTTGGTAGAGGGGTCCAGAGTGGCAGTAAAGGAGGAAGATGGCGGGGTGCAGGGGGTCTC[TGTGCTGCTGCTGCAGGTG>T]GTGCTGCTGCTGCGGTGAGCGTGAGACCCGCACCCCCGAGGAGCTGGTAAGAAGCCGGCG-3'

ClinVar aggregate classification (germline): Uncertain significance (1 of 4 stars; one submission).

Submission:

Labcorp Genetics (formerly Invitae), Labcorp
Classification: Uncertain significance. Last evaluated: 2022-10-17. Review status: criteria provided, single submitter. Criteria: Invitae Variant Classification Sherloc (09022015). Collection method: clinical testing. Allele origin: germline.
Comment: This variant is present in population databases (rs778495950, gnomAD 0.01%). This variant, c.37_54del, results in the deletion of 6 amino acid(s) of the CLCN6 protein (p.Arg13_Cys18del), but otherwise preserves the integrity of the reading frame. This variant has not been reported in the literature in individuals affected with CLCN6-related conditions. In summary, the available evidence is currently insufficient to determine the role of this variant in disease. Therefore, it has been classified as a Variant of Uncertain Significance. Experimental studies and prediction algorithms are not available or were not evaluated, and the functional significance of this variant is currently unknown.